The following is an entry in ClinVar:

ClinVar aggregate classification (germline): Conflicting classifications of pathogenicity. Review status: criteria provided, conflicting classifications (1 of 4 stars). 6 submissions from 6 submitters: Uncertain significance (4); Likely benign (1). 1 of the submissions does not count toward it. Last evaluated 2025-12-03.

Conditions:
Cardiovascular phenotype. Identifiers: MedGen CN230736.
LIPA-related disorder. Also called: LIPA-related disorders; LIPA-related condition.
Wolman disease (WOLD). Also called: Wolman disease, CESD; Acid cholesteryl ester hydrolase deficiency, Wolman type; Acid lipase disease; Infantile-Onset LAL-D (Wolman Disease); LYSOSOMAL ACID LIPASE DEFICIENCY, ACUTE INFANTILE; LYSOSOMAL ACID LIPASE DEFICIENCY, COMPLETE. Identifiers: Orphanet 75233, MedGen C0043208, MONDO:0019148, OMIM 620151.

Allele frequency attached by ClinVar (database versions not stated): 1000 Genomes Project 30x 0.00016; 1000 Genomes Project 0.00020; ESP Exome Variant Server 0.00046; TOPMed 0.00046; gnomAD 0.00054 and 0.00061.
gnomAD v4.1: 146 of 1,606,208 alleles (0.0091%); highest among the groups gnomAD compares: African/African-American, 0.18%; no homozygotes.

Submissions (6):

Labcorp Genetics (formerly Invitae), Labcorp
Classification: Likely benign for Wolman disease. Last evaluated: 2025-12-03. Review status: criteria provided, single submitter. Criteria: Invitae Variant Classification Sherloc (09022015). Collection method: clinical testing. Allele origin: germline.

Ambry Genetics
Classification: Uncertain significance for Cardiovascular phenotype. Last evaluated: 2025-01-31. Review status: criteria provided, single submitter. Criteria: Ambry Variant Classification Scheme 2023. Collection method: clinical testing. Allele origin: germline.
Comment: The p.S297G variant (also known as c.889A>G), located in coding exon 7 of the LIPA gene, results from an A to G substitution at nucleotide position 889. The serine at codon 297 is replaced by glycine, an amino acid with similar properties. This amino acid position is conserved. In addition, this alteration is predicted to be tolerated by in silico analysis. Since supporting evidence is limited at this time, the clinical significance of this alteration remains unclear.

Blueprint Genetics
Classification: Uncertain significance. Last evaluated: 2022-07-13. Review status: criteria provided, single submitter. Criteria: ACMG Guidelines, 2015. Collection method: clinical testing. Allele origin: germline.

Mayo Clinic Laboratories, Mayo Clinic
Classification: Uncertain significance. Last evaluated: 2021-12-30. Review status: criteria provided, single submitter. Criteria: ACMG Guidelines, 2015. Collection method: clinical testing. Allele origin: germline.

Eurofins Ntd Llc (ga)
Classification: Uncertain significance. Last evaluated: 2018-04-17. Review status: criteria provided, single submitter. Criteria: EGL ClinVar v180209 classification definitions. Collection method: clinical testing. Allele origin: germline. Observed: 9 variant alleles, 9 heterozygotes.

PreventionGenetics, part of Exact Sciences
Classification: Likely benign for LIPA-related condition. Last evaluated: 2022-04-26. Review status: no assertion criteria provided. Collection method: clinical testing. Allele origin: germline. Not counted in ClinVar's aggregate classification.
Comment: This variant is classified as likely benign based on ACMG/AMP sequence variant interpretation guidelines (Richards et al. 2015 PMID: 25741868, with internal and published modifications).

NM_000235.4(LIPA):c.889A>G (p.Ser297Gly)

Gene: LIPA (lipase A, lysosomal acid type; minus strand). Cytogenetic location: 10q23.31.
Variant type: single nucleotide variant.
Coding change: c.889A>G on transcript NM_000235.4 (MANE Select); coding-DNA position 889, A replaced by G.
Protein change: p.Ser297Gly; replaces serine 297 with glycine.
Molecular consequence: missense variant.
Genome position (GRCh38, 1-based): chr10:89,222,516, T>C on the plus strand (A>G on the coding strand, the complement: LIPA is on the minus strand). VCF-style: chr10-89222516-T-C. GRCh37 (hg19) VCF-style: chr10-90982273-T-C.
Other names: p.Ser297Gly; c.889A>G (NM_000235.3, NM_000235.2); c.889A>G, p.Ser297Gly (NM_001127605.3); c.541A>G, p.Ser181Gly (NM_001288979.2); short protein forms S297G, S181G.
Identifiers: ClinVar variation 198700 (VCV000198700.17), dbSNP rs147426329, ClinGen allele CA247503.